The following is an entry in ClinVar:

NM_032447.5(FBN3):c.1466-8C>T

Gene: FBN3 (fibrillin 3; minus strand). Cytogenetic location: 19p13.2.
Variant type: single nucleotide variant.
Coding change: c.1466-8C>T on transcript NM_032447.5 (MANE Select); 8 bases into the intron before coding-DNA position 1466, C replaced by T.
Molecular consequence: intron variant.
Genome position (GRCh38, 1-based): chr19:8,136,094, G>A on the plus strand (C>T on the coding strand, the complement: FBN3 is on the minus strand). VCF-style: chr19-8136094-G-A. GRCh37 (hg19) VCF-style: chr19-8200978-G-A.
Other names: c.1466-8C>T (NM_001321431.2, NM_001321431.1).
Identifiers: ClinVar variation 713657 (VCV000713657.35), dbSNP rs201449200, ClinGen allele CA9153297.

ClinVar aggregate classification (germline): Benign/Likely benign. Review status: criteria provided, multiple submitters, no conflicts (2 of 4 stars). 5 submissions from 5 submitters: Benign (2); Likely benign (2). 1 of the submissions does not count toward it. Last evaluated 2026-01-29.

Conditions:
FBN3-related disorder. Also called: FBN3-related condition.

Allele frequency attached by ClinVar (database versions not stated): 1000 Genomes Project 0.00100; 1000 Genomes Project 30x 0.00125; gnomAD exomes 0.00297 and 0.00499; gnomAD 0.00302 and 0.00308; ExAC 0.00319; TOPMed 0.00326; ESP Exome Variant Server 0.00408.
gnomAD v4.1: 7,696 of 1,613,666 alleles (0.48%); highest among the groups gnomAD compares: Non-Finnish European, 0.6%; 22 homozygotes.

Submissions (5):

Labcorp Genetics (formerly Invitae), Labcorp
Classification: Benign. Last evaluated: 2026-01-29. Review status: criteria provided, single submitter. Criteria: Invitae Variant Classification Sherloc (09022015). Collection method: clinical testing. Allele origin: germline.

Genomic Medicine Center of Excellence, King Faisal Specialist Hospital and Research Centre
Classification: Likely benign. Last evaluated: 2025-08-18. Review status: criteria provided, single submitter. Criteria: ACMG Guidelines, 2015. Collection method: clinical testing. Allele origin: germline.

CeGaT Center for Human Genetics Tuebingen
Classification: Likely benign. Last evaluated: 2023-03-01. Review status: criteria provided, single submitter. Criteria: CeGaT Center For Human Genetics Tuebingen Variant Classification Criteria Version 2. Collection method: clinical testing. Allele origin: germline. Affected: yes. Observed: 1 variant allele.
Comment: FBN3: BP4, BS2

Breakthrough Genomics
Classification: Benign. Review status: criteria provided, single submitter. Criteria: ACMG Guidelines, 2015. Collection method: not provided. Allele origin: germline. Inheritance: Unknown mechanism. Affected: yes.

PreventionGenetics, part of Exact Sciences
Classification: Benign for FBN3-related condition. Last evaluated: 2019-03-06. Review status: no assertion criteria provided. Collection method: clinical testing. Allele origin: germline. Not counted in ClinVar's aggregate classification.
Comment: This variant is classified as benign based on ACMG/AMP sequence variant interpretation guidelines (Richards et al. 2015 PMID: 25741868, with internal and published modifications).